The following is an entry in ClinVar:

NM_005228.5(EGFR):c.1943C>A (p.Thr648Asn)

Gene: EGFR (epidermal growth factor receptor; plus strand). Cytogenetic location: 7p11.2.
Variant type: single nucleotide variant.
Coding change: c.1943C>A on transcript NM_005228.5 (MANE Select); coding-DNA position 1943, C replaced by A.
Protein change: p.Thr648Asn; replaces threonine 648 with asparagine.
Molecular consequence: missense variant.
Genome position (GRCh38, 1-based): chr7:55,173,006, C>A. VCF-style: chr7-55173006-C-A. GRCh37 (hg19) VCF-style: chr7-55240699-C-A.
Other names: c.1808C>A, p.Thr603Asn (NM_001346897.2, NM_001346899.2); c.1943C>A, p.Thr648Asn (NM_001346898.2); c.1784C>A, p.Thr595Asn (NM_001346900.2); c.1142C>A, p.Thr381Asn (NM_001346941.2); short protein forms T381N, T595N, T603N, T648N.
Identifiers: ClinVar variation 1692867 (VCV001692867.6), dbSNP rs776728879, ClinGen allele CA367582919.

ClinVar aggregate classification (germline): Uncertain significance. Review status: criteria provided, multiple submitters, no conflicts (2 of 4 stars). 2 submissions from 2 submitters: Uncertain significance (2). Last evaluated 2022-08-19.

Conditions:
Hereditary cancer-predisposing syndrome. Also called: Hereditary neoplastic syndrome; Tumor predisposition; Neoplastic Syndromes, Hereditary; Hereditary Cancer Syndrome. Identifiers: Orphanet 140162, MedGen C0027672, MeSH D009386, MONDO:0015356.
EGFR-related lung cancer (EGFR). Identifiers: MedGen CN130014.

gnomAD v4.1: 3 of 1,614,198 alleles (0.00019%); highest among the groups gnomAD compares: Non-Finnish European, 0.00025%; no homozygotes.

Submissions (2):

Labcorp Genetics (formerly Invitae), Labcorp
Classification: Uncertain significance for EGFR-related lung cancer. Last evaluated: 2022-08-19. Review status: criteria provided, single submitter. Criteria: Invitae Variant Classification Sherloc (09022015). Collection method: clinical testing. Allele origin: germline.
Comment: In summary, the available evidence is currently insufficient to determine the role of this variant in disease. Therefore, it has been classified as a Variant of Uncertain Significance. Algorithms developed to predict the effect of missense changes on protein structure and function are either unavailable or do not agree on the potential impact of this missense change (SIFT: "Deleterious"; PolyPhen-2: "Benign"; Align-GVGD: "Class C0"). ClinVar contains an entry for this variant (Variation ID: 1692867). This variant has not been reported in the literature in individuals affected with EGFR-related conditions. This variant is not present in population databases (gnomAD no frequency). This sequence change replaces threonine, which is neutral and polar, with asparagine, which is neutral and polar, at codon 648 of the EGFR protein (p.Thr648Asn).

Sema4
Classification: Uncertain significance for Hereditary cancer-predisposing syndrome. Last evaluated: 2021-09-09. Review status: criteria provided, single submitter. Criteria: Sema4 Curation Guidelines. Collection method: curation. Allele origin: germline.
Comment: The EGFR c.1943C>A (p.T648N) variant has not been reported in the literature to our knowledge. It was not observed in the large and broad cohorts of the Genome Aggregation Database. The variant has not been reported in ClinVar. Functional studies have not been performed, and in silico predictions of the variant's effect on protein function are inconclusive. The evidence is insufficient to meet ACMG/AMP criteria for classifying the variant as benign or pathogenic. Thus, the clinical significance of this variant is currently uncertain.